The following is an entry in ClinVar:

NM_006361.6(HOXB13):c.815A>G (p.Lys272Arg)

Gene: HOXB13 (homeobox B13; minus strand). Cytogenetic location: 17q21.32.
Variant type: single nucleotide variant.
Coding change: c.815A>G on transcript NM_006361.6 (MANE Select); coding-DNA position 815, A replaced by G.
Protein change: p.Lys272Arg; replaces lysine 272 with arginine.
Molecular consequence: missense variant.
Genome position (GRCh38, 1-based): chr17:48,726,830, T>C on the plus strand (A>G on the coding strand, the complement: HOXB13 is on the minus strand). VCF-style: chr17-48726830-T-C. GRCh37 (hg19) VCF-style: chr17-46804192-T-C.
Other names: short protein forms K272R.
Identifiers: ClinVar variation 1714156 (VCV001714156.6), dbSNP rs2509512770, ClinGen allele CA400105444.

ClinVar aggregate classification (germline): Uncertain significance. Review status: criteria provided, multiple submitters, no conflicts (2 of 4 stars). 2 submissions from 2 submitters: Uncertain significance (2). Last evaluated 2025-08-02.

Conditions:
Hereditary cancer-predisposing syndrome. Also called: Neoplastic Syndromes, Hereditary; Tumor predisposition; Hereditary Cancer Syndrome; Hereditary neoplastic syndrome. Identifiers: Orphanet 140162, MedGen C0027672, MeSH D009386, MONDO:0015356.

Submissions (2):

Ambry Genetics
Classification: Uncertain significance for Hereditary cancer-predisposing syndrome. Last evaluated: 2025-08-02. Review status: criteria provided, single submitter. Criteria: Ambry Variant Classification Scheme 2023. Collection method: clinical testing. Allele origin: germline.
Comment: The p.K272R variant (also known as c.815A>G), located in coding exon 2 of the HOXB13 gene, results from an A to G substitution at nucleotide position 815. The lysine at codon 272 is replaced by arginine, an amino acid with highly similar properties. This amino acid position is conserved. In addition, this alteration is predicted to be deleterious by in silico analysis. Based on the available evidence, the clinical significance of this variant remains unclear.

Labcorp Genetics (formerly Invitae), Labcorp
Classification: Uncertain significance. Last evaluated: 2022-07-29. Review status: criteria provided, single submitter. Criteria: Invitae Variant Classification Sherloc (09022015). Collection method: clinical testing. Allele origin: germline.
Comment: This sequence change replaces lysine, which is basic and polar, with arginine, which is basic and polar, at codon 272 of the HOXB13 protein (p.Lys272Arg). This variant is not present in population databases (gnomAD no frequency). This variant has not been reported in the literature in individuals affected with HOXB13-related conditions. Algorithms developed to predict the effect of missense changes on protein structure and function (SIFT, PolyPhen-2, Align-GVGD) all suggest that this variant is likely to be disruptive. In summary, the available evidence is currently insufficient to determine the role of this variant in disease. Therefore, it has been classified as a Variant of Uncertain Significance.